The following is an entry in ClinVar:

NM_001851.6(COL9A1):c.14+1G>C

Gene: COL9A1 (collagen type IX alpha 1 chain; minus strand). Cytogenetic location: 6q13.
Variant type: single nucleotide variant.
Coding change: c.14+1G>C on transcript NM_001851.6 (MANE Select); the canonical splice donor site of the intron after coding-DNA position 14, G replaced by C.
Molecular consequence: splice donor variant.
Genome position (GRCh38, 1-based): chr6:70,302,910, C>G on the plus strand (G>C on the coding strand, the complement: COL9A1 is on the minus strand). VCF-style: chr6-70302910-C-G. GRCh37 (hg19) VCF-style: chr6-71012613-C-G.
Other names: c.14+1G>C (NM_001377291.1).
Identifiers: ClinVar variation 2765694 (VCV002765694.3), dbSNP rs2483528312, ClinGen allele CA364676076.

ClinVar aggregate classification (germline): Likely pathogenic (1 of 4 stars; one submission).

Submission:

Labcorp Genetics (formerly Invitae), Labcorp
Classification: Likely pathogenic. Last evaluated: 2023-10-05. Review status: criteria provided, single submitter. Criteria: Invitae Variant Classification Sherloc (09022015). Collection method: clinical testing. Allele origin: germline.
Comment: This sequence change affects a donor splice site in intron 1 of the COL9A1 gene. It is expected to disrupt RNA splicing. Variants that disrupt the donor or acceptor splice site typically lead to a loss of protein function (PMID: 16199547), and loss-of-function variants in COL9A1 are known to be pathogenic (PMID: 16909383, 21421862). This variant is not present in population databases (gnomAD no frequency). This variant has not been reported in the literature in individuals affected with COL9A1-related conditions. Algorithms developed to predict the effect of sequence changes on RNA splicing suggest that this variant may disrupt the consensus splice site. In summary, the currently available evidence indicates that the variant is pathogenic, but additional data are needed to prove that conclusively. Therefore, this variant has been classified as Likely Pathogenic.

Literature cited by the submitters: PubMed 16199547; PubMed 16909383; PubMed 21421862.